The following is an entry in ClinVar:

ClinVar aggregate classification (germline): Conflicting classifications of pathogenicity. Review status: criteria provided, conflicting classifications (1 of 4 stars). 4 submissions from 4 submitters: Likely pathogenic (1); Uncertain significance (3). Last evaluated 2023-10-02.

Conditions:
Congenital microcephaly - severe encephalopathy - progressive cerebral atrophy syndrome. Also called: ASNS DEFICIENCY; Asparagine synthetase deficiency. Identifiers: Orphanet 391376, MedGen C3809971, MONDO:0014258, OMIM 615574.
ASNS-related disorder. Also called: ASNS-related condition.

Allele frequency attached by ClinVar (database versions not stated): 1000 Genomes Project 30x 0.00016; 1000 Genomes Project 0.00020.
gnomAD v4.1: 7 of 1,612,612 alleles (0.00043%); highest among the groups gnomAD compares: African/African-American, 0.0013%; no homozygotes.

Submissions (4):

Blueprint Genetics
Classification: Likely pathogenic for ASNS-related disorders. Last evaluated: 2023-10-02. Review status: criteria provided, single submitter. Criteria: ACMG Guidelines, 2015. Collection method: clinical testing. Allele origin: germline. Affected: yes. Observed: 1 variant allele.

3billion
Classification: Uncertain significance for Congenital microcephaly - severe encephalopathy - progressive cerebral atrophy syndrome. Last evaluated: 2022-09-01. Review status: criteria provided, single submitter. Criteria: ACMG Guidelines, 2015. Collection method: clinical testing. Allele origin: germline. Affected: yes. Observed: 1 homozygote.
Comment: The variant is not observed in the gnomAD v2.1.1 dataset. In silico tool predictions suggest damaging effect of the variant on gene or gene product (REVEL: 0.64; 3Cnet: 0.99). Therefore, this variant is classified as uncertain significance according to the recommendation of ACMG/AMP guideline.

Broad Center for Mendelian Genomics, Broad Institute of MIT and Harvard
Classification: Uncertain significance for Congenital microcephaly - severe encephalopathy - progressive cerebral atrophy syndrome. Last evaluated: 2022-05-04. Review status: criteria provided, single submitter. Criteria: ACMG Guidelines, 2015. Collection method: curation. Allele origin: germline.
Comment: This variant has not been previously reported in individuals with asparagine synthetase deficiency and was absent from large population studies. Computational prediction tools and conservation analyses do not provide strong support for or against an impact to the protein. In summary, the clinical significance of the p.His412Arg variant is uncertain. ACMG/AMP Criteria applied: PM2 (Richards 2015).

AiLife Diagnostics
Classification: Uncertain significance. Last evaluated: 2022-03-17. Review status: criteria provided, single submitter. Criteria: ACMG Guidelines, 2015. Collection method: clinical testing. Allele origin: germline. Affected: yes. Observed: 1 variant allele.

NM_001673.5(ASNS):c.1235A>G (p.His412Arg)

Genes: ASNS (asparagine synthetase (glutamine-hydrolyzing); minus strand), CZ1P-ASNS (CZ1P-ASNS readthrough; minus strand). Cytogenetic location: 7q21.3.
Variant type: single nucleotide variant.
Coding change: c.1235A>G on transcript NM_001673.5 (MANE Select); coding-DNA position 1235, A replaced by G.
Protein change: p.His412Arg; replaces histidine 412 with arginine.
Molecular consequence: missense variant. On other transcripts: non-coding transcript variant (1).
Genome position (GRCh38, 1-based): chr7:97,854,583, T>C on the plus strand (A>G on the coding strand, the complement: ASNS is on the minus strand). VCF-style: chr7-97854583-T-C. GRCh37 (hg19) VCF-style: chr7-97483895-T-C.
Other names: NM_001352496.2:c.1235A>G; c.1172A>G, p.His391Arg (NM_001178075.2); c.986A>G, p.His329Arg (NM_001178076.2, NM_001178077.1); c.1235A>G, p.His412Arg (NM_001352496.2, NM_133436.3, NM_183356.4); short protein forms H329R, H391R, H412R.
Identifiers: ClinVar variation 1678035 (VCV001678035.4), dbSNP rs201394816, ClinGen allele CA163027836.